The following is an entry in ClinVar:

NM_004333.6(BRAF):c.1096G>C (p.Ala366Pro)

Genes: BRAF (B-Raf proto-oncogene, serine/threonine kinase; minus strand), LOC126860202 (BRD4-independent group 4 enhancer GRCh37_chr7:140493623-140494822; plus strand). Cytogenetic location: 7q34.
Variant type: single nucleotide variant.
Coding change: c.1096G>C on transcript NM_004333.6 (MANE Select); coding-DNA position 1096, G replaced by C.
Protein change: p.Ala366Pro; replaces alanine 366 with proline.
Molecular consequence: missense variant.
Genome position (GRCh38, 1-based): chr7:140,794,352, C>G on the plus strand (G>C on the coding strand, the complement: BRAF is on the minus strand). VCF-style: chr7-140794352-C-G. GRCh37 (hg19) VCF-style: chr7-140494152-C-G.
Other names: c.1096G>C, p.Ala366Pro (NM_001354609.2, NM_001374244.1, NM_001374258.1 and 4 more transcripts); c.1105G>C, p.Ala369Pro (NM_001378467.1); c.994G>C, p.Ala332Pro (NM_001378470.1); c.940G>C, p.Ala314Pro (NM_001378472.1, NM_001378473.1); c.832G>C, p.Ala278Pro (NM_001378475.1); short protein forms A366P, A278P, A314P, A332P, A369P.
Identifiers: ClinVar variation 645347 (VCV000645347.9), dbSNP rs1038048880, ClinGen allele CA369589774.

ClinVar aggregate classification (germline): Likely pathogenic (1 of 4 stars; one submission).

Conditions:
RASopathy. Also called: rasopathies; Noonan spectrum disorder. Identifiers: Orphanet 536391, MedGen C5555857, MONDO:0021060.

Submission:

Labcorp Genetics (formerly Invitae), Labcorp
Classification: Likely pathogenic for RASopathy. Last evaluated: 2018-12-30. Review status: criteria provided, single submitter. Criteria: Invitae Variant Classification Sherloc (09022015). Collection method: clinical testing. Allele origin: germline.
Comment: In summary, the currently available evidence indicates that the variant is pathogenic, but additional data are needed to prove that conclusively. Therefore, this variant has been classified as Likely Pathogenic. Algorithms developed to predict the effect of missense changes on protein structure and function (SIFT, PolyPhen-2, Align-GVGD) all suggest that this variant is likely to be disruptive, but these predictions have not been confirmed by published functional studies and their clinical significance is uncertain. This variant is not present in population databases (ExAC no frequency). This sequence change replaces alanine with proline at codon 366 of the BRAF protein (p.Ala366Pro). The alanine residue is highly conserved and there is a small physicochemical difference between alanine and proline.